The following is an entry in ClinVar:

NM_004172.5(SLC1A3):c.506C>G (p.Ala169Gly)

Genes: SLC1A3 (solute carrier family 1 member 3; plus strand), SLC1A3-AS1 (SLC1A3 antisense RNA 1; minus strand). Cytogenetic location: 5p13.2.
Variant type: single nucleotide variant.
Coding change: c.506C>G on transcript NM_004172.5 (MANE Select); coding-DNA position 506, C replaced by G.
Protein change: p.Ala169Gly; replaces alanine 169 with glycine.
Molecular consequence: missense variant.
Genome position (GRCh38, 1-based): chr5:36,671,215, C>G. VCF-style: chr5-36671215-C-G. GRCh37 (hg19) VCF-style: chr5-36671317-C-G.
Other names: p.Ala169Gly; c.506C>G, p.Ala169Gly (NM_001166695.3, NM_001289940.2, NM_001438454.1 and 5 more transcripts); c.368C>G, p.Ala123Gly (NM_001289939.2); c.224C>G, p.Ala75Gly (NM_001438460.1); c.206C>G, p.Ala69Gly (NM_001438461.1); c.185C>G, p.Ala62Gly (NM_001438462.1); short protein forms A169G, A69G, A75G, A123G, A62G.
Identifiers: ClinVar variation 4541039 (VCV004541039.2).

ClinVar aggregate classification (germline): Uncertain significance. Review status: criteria provided, multiple submitters, no conflicts (2 of 4 stars). 2 submissions from 2 submitters: Uncertain significance (2). Last evaluated 2025-06-04.

gnomAD v4.1: 40 of 1,613,168 alleles (0.0025%); highest among the groups gnomAD compares: East Asian, 0.085%; no homozygotes.

Submissions (2):

Mayo Clinic Laboratories, Mayo Clinic
Classification: Uncertain significance. Last evaluated: 2025-06-04. Review status: criteria provided, single submitter. Criteria: ACMG Guidelines, 2015. Collection method: clinical testing. Allele origin: germline. Observed: 1 variant allele.
Comment: PM2_supporting

Blueprint Genetics
Classification: Uncertain significance. Last evaluated: 2023-10-03. Review status: criteria provided, single submitter. Criteria: ACMG Guidelines, 2015. Collection method: clinical testing. Allele origin: germline.

Literature cited by the submitters: PubMed 32819603 (cited by Mayo Clinic Laboratories, Mayo Clinic).